The following is an entry in ClinVar:

NM_152564.5(VPS13B):c.9331-19_9331-3dup

Gene: VPS13B (vacuolar protein sorting 13 homolog B; plus strand). Cytogenetic location: 8q22.2.
Variant type: Duplication.
Coding change: c.9331-19_9331-3dup on transcript NM_152564.5 (MANE Select); 19 bases into the intron before coding-DNA position 9331 through 3 bases into the intron before coding-DNA position 9331, 17 bases duplicated (TTTTTTTTTTTTTTTTT).
Molecular consequence: intron variant.
Genome position (GRCh38, 1-based): chr8:99,832,350-99,832,366, TTTTTTTTTTTTTTTTT duplicated; duplicating any 17 consecutive bases within chr8:99,832,342-99,832,366 gives the same sequence; the c. name uses the placement nearest the transcript's 3' end. VCF-style (leftmost placement, unchanged base first): chr8-99832341-A-ATTTTTTTTTTTTTTTTT. GRCh37 (hg19) VCF-style: chr8-100844569-A-ATTTTTTTTTTTTTTTTT.
Other names: c.9406-19_9406-3dup (NM_017890.5).
Identifiers: ClinVar variation 3042179 (VCV003042179.2), dbSNP rs370235149, ClinGen allele CA1117121032.

ClinVar aggregate classification (germline): Likely benign (0 of 4 stars; one submission).

Conditions:
VPS13B-related disorder. Also called: VPS13B-related condition.

Submission:

PreventionGenetics, part of Exact Sciences
Classification: Likely benign for VPS13B-related condition. Last evaluated: 2021-04-27. Review status: no assertion criteria provided. Collection method: clinical testing. Allele origin: germline.
Comment: This variant is classified as likely benign based on ACMG/AMP sequence variant interpretation guidelines (Richards et al. 2015 PMID: 25741868, with internal and published modifications).